The following is an entry in ClinVar:

ClinVar aggregate classification (germline): Uncertain significance (1 of 4 stars; one submission).

gnomAD v4.1: 1 of 1,614,140 alleles (0.000062%); highest among the groups gnomAD compares: Non-Finnish European, 0.000085%; no homozygotes.

Submission:

GeneDx
Classification: Uncertain significance. Last evaluated: 2023-01-10. Review status: criteria provided, single submitter. Criteria: GeneDx Variant Classification Process June 2021. Collection method: clinical testing. Allele origin: germline. Affected: yes.
Comment: Not observed at significant frequency in large population cohorts (gnomAD); In silico analysis supports that this missense variant has a deleterious effect on protein structure/function; Has not been previously published as pathogenic or benign to our knowledge

NM_006245.4(PPP2R5D):c.292C>G (p.Arg98Gly)

Gene: PPP2R5D (protein phosphatase 2 regulatory subunit B'delta; plus strand). Cytogenetic location: 6p21.1.
Variant type: single nucleotide variant.
Coding change: c.292C>G on transcript NM_006245.4 (MANE Select); coding-DNA position 292, C replaced by G.
Protein change: p.Arg98Gly; replaces arginine 98 with glycine.
Molecular consequence: missense variant. On other transcripts: 5 prime UTR variant (1), intron variant (2).
Genome position (GRCh38, 1-based): chr6:43,006,649, C>G. VCF-style: chr6-43006649-C-G. GRCh37 (hg19) VCF-style: chr6-42974387-C-G.
Other names: c.-162C>G (NM_001270476.2); c.249+43C>G (NM_180976.3); c.28-285C>G (NM_180977.3); short protein forms R98G.
Identifiers: ClinVar variation 2571717 (VCV002571717.1), dbSNP rs779909900, ClinGen allele CA364181088.